The following is an entry in ClinVar:

NM_001126108.2(SLC12A3):c.2178+1G>T

Gene: SLC12A3 (solute carrier family 12 member 3; plus strand). Cytogenetic location: 16q13.
Variant type: single nucleotide variant.
Coding change: c.2178+1G>T on transcript NM_001126108.2 (MANE Select); the canonical splice donor site of the intron after coding-DNA position 2178, G replaced by T.
Molecular consequence: splice donor variant.
Genome position (GRCh38, 1-based): chr16:56,887,094, G>T. VCF-style: chr16-56887094-G-T. GRCh37 (hg19) VCF-style: chr16-56921006-G-T.
Other names: c.2178+1G>T (NM_000339.2, NM_000339.3); c.2175+1G>T (NM_001126107.2, NM_001410896.1).
Identifiers: ClinVar variation 1067999 (VCV001067999.8), dbSNP rs2144730439, ClinGen allele CA395994044.
Genomic context (GRCh38, chr16:56,887,094, plus strand): 5'-GCCTTCTACTCGGATGTCATTGCCGAGGACCTCCGCAGAGGCGTCCAGATCCTCATGCAG[G>T]TGCCATGGACTGGGGGCTCCCCTACAGGACTTACGGCTTGGTGGCACAACCTGGAAGGCA-3'

ClinVar aggregate classification (germline): Pathogenic/Likely pathogenic. Review status: criteria provided, multiple submitters, no conflicts (2 of 4 stars). 2 submissions from 2 submitters: Pathogenic (1); Likely pathogenic (1). Last evaluated 2024-12-29.

Conditions:
Familial hypokalemia-hypomagnesemia (GTLMNS). Also called: HYPOMAGNESEMIA-HYPOKALEMIA, PRIMARY RENOTUBULAR, WITH HYPOCALCIURIA; POTASSIUM AND MAGNESIUM DEPLETION; gitelman syndrome. Identifiers: Orphanet 358, MedGen C0268450, MONDO:0009904, OMIM 263800.

Submissions (2):

Natera, Inc.
Classification: Pathogenic for Gitelman syndrome. Last evaluated: 2024-12-29. Review status: criteria provided, single submitter. Criteria: Natera Variant Classification Schema (03/2026). Collection method: clinical testing. Allele origin: germline.
Comment: The c.2178+1G>T variant in SLC12A3 is a canonical splice donor site variant predicted to affect pre-mRNA splicing, which may result in an abnormal transcript and altered protein product. This variant is expected to result in nonsense mediated decay, truncation, or a dysfunctional protein product. This variant is rare in the general population with a frequency below the threshold expected for the associated phenotype(s). This variant has been observed in one or more individuals affected with the associated recessive disease, as either homozygous or compound heterozygous with a second variant (PMID: 29095814). Given the available evidence, this variant is classified as Pathogenic.

Labcorp Genetics (formerly Invitae), Labcorp
Classification: Likely pathogenic. Last evaluated: 2022-07-25. Review status: criteria provided, single submitter. Criteria: Invitae Variant Classification Sherloc (09022015). Collection method: clinical testing. Allele origin: germline.
Comment: This variant is not present in population databases (gnomAD no frequency). In summary, the currently available evidence indicates that the variant is pathogenic, but additional data are needed to prove that conclusively. Therefore, this variant has been classified as Likely Pathogenic. Algorithms developed to predict the effect of sequence changes on RNA splicing suggest that this variant may disrupt the consensus splice site. ClinVar contains an entry for this variant (Variation ID: 1067999). This variant has not been reported in the literature in individuals affected with SLC12A3-related conditions. This sequence change affects a donor splice site in intron 17 of the SLC12A3 gene. It is expected to disrupt RNA splicing. Variants that disrupt the donor or acceptor splice site typically lead to a loss of protein function (PMID: 16199547), and loss-of-function variants in SLC12A3 are known to be pathogenic (PMID: 20848653, 22009145, 25841442).

Literature cited by the submitters: PubMed 29095814 (cited by Natera, Inc.); PubMed 16199547 (cited by Labcorp Genetics (formerly Invitae), Labcorp); PubMed 20848653 (cited by Labcorp Genetics (formerly Invitae), Labcorp); PubMed 22009145 (cited by Labcorp Genetics (formerly Invitae), Labcorp); PubMed 25841442 (cited by Labcorp Genetics (formerly Invitae), Labcorp).